The following is an entry in ClinVar:

NM_002602.4(PDE6G):c.32G>T (p.Arg11Leu)

Gene: PDE6G (phosphodiesterase 6G; minus strand). Cytogenetic location: 17q25.3.
Variant type: single nucleotide variant.
Coding change: c.32G>T on transcript NM_002602.4 (MANE Select); coding-DNA position 32, G replaced by T.
Protein change: p.Arg11Leu; replaces arginine 11 with leucine.
Molecular consequence: missense variant.
Genome position (GRCh38, 1-based): chr17:81,653,274, C>A on the plus strand (G>T on the coding strand, the complement: PDE6G is on the minus strand). VCF-style: chr17-81653274-C-A. GRCh37 (hg19) VCF-style: chr17-79620304-C-A.
Other names: c.32G>T, p.Arg11Leu (NM_001365724.1, NM_001365725.1); short protein forms R11L.
Identifiers: ClinVar variation 1996248 (VCV001996248.4), dbSNP rs1347654087, ClinGen allele CA401474579.
Genomic context (GRCh38, chr17:81,653,274, plus strand): 5'-TTAAATTTAGGGGGCCCTTTCCTGGGGGTGACAGGTCCCCCGGCCACCCTGGTGGCTGAC[C>A]GGAACTCAGCCTTGGGCGGTTCCAGGTTCATGGTGAGGCTGACGGAGACACCGCGGCAAC-3'
Protein context (NP_002593.1, residues 1-21): MNLEPPKAEF[Arg11Leu]SATRVAGGPV

ClinVar aggregate classification (germline): Uncertain significance (1 of 4 stars; one submission).

Submission:

Labcorp Genetics (formerly Invitae), Labcorp
Classification: Uncertain significance. Last evaluated: 2024-10-29. Review status: criteria provided, single submitter. Criteria: Invitae Variant Classification Sherloc (09022015). Collection method: clinical testing. Allele origin: germline.
Comment: This sequence change replaces arginine, which is basic and polar, with leucine, which is neutral and non-polar, at codon 11 of the PDE6G protein (p.Arg11Leu). This variant is not present in population databases (gnomAD no frequency). This variant has not been reported in the literature in individuals affected with PDE6G-related conditions. ClinVar contains an entry for this variant (Variation ID: 1996248). An algorithm developed to predict the effect of missense changes on protein structure and function (PolyPhen-2) suggests that this variant is likely to be tolerated. In summary, the available evidence is currently insufficient to determine the role of this variant in disease. Therefore, it has been classified as a Variant of Uncertain Significance.